The following is an entry in ClinVar:

ClinVar aggregate classification (germline): Uncertain significance. Review status: criteria provided, multiple submitters, no conflicts (2 of 4 stars). 2 submissions from 2 submitters: Uncertain significance (2). Last evaluated 2026-04-28.

Conditions:
Inborn genetic diseases. Identifiers: MedGen C0950123, MeSH D030342.

Allele frequency attached by ClinVar (database versions not stated): gnomAD exomes 0.00002 and below 0.00001; gnomAD 0.00001.
gnomAD v4.1: 29 of 1,613,948 alleles (0.0018%); highest among the groups gnomAD compares: Admixed American, 0.0033%; no homozygotes.

Submissions (2):

Ambry Genetics
Classification: Uncertain significance for Inborn genetic diseases. Last evaluated: 2026-04-28. Review status: criteria provided, single submitter. Criteria: Ambry Variant Classification Scheme 2023. Collection method: clinical testing. Allele origin: germline.
Comment: The c.1470G>C (p.Q490H) alteration is located in exon 10 (coding exon 10) of the DEAF1 gene. This alteration results from a G to C substitution at nucleotide position 1470, causing the glutamine (Q) at amino acid position 490 to be replaced by a histidine (H). Based on data from gnomAD, the C allele has an overall frequency of <0.001% (1/251484) total alleles studied. The highest observed frequency was 0.001% (1/113758) of European (non-Finnish) alleles. Based on insufficient or conflicting evidence, the clinical significance of this alteration remains unclear.

Labcorp Genetics (formerly Invitae), Labcorp
Classification: Uncertain significance. Last evaluated: 2025-02-24. Review status: criteria provided, single submitter. Criteria: Invitae Variant Classification Sherloc (09022015). Collection method: clinical testing. Allele origin: germline.
Comment: This sequence change replaces glutamine, which is neutral and polar, with histidine, which is basic and polar, at codon 490 of the DEAF1 protein (p.Gln490His). This variant is present in population databases (no rsID available, gnomAD 0.0009%). This variant has not been reported in the literature in individuals affected with DEAF1-related conditions. ClinVar contains an entry for this variant (Variation ID: 1481484). An algorithm developed to predict the effect of missense changes on protein structure and function outputs the following: PolyPhen-2: "Benign". The histidine amino acid residue is found in multiple mammalian species, which suggests that this missense change does not adversely affect protein function. In summary, the available evidence is currently insufficient to determine the role of this variant in disease. Therefore, it has been classified as a Variant of Uncertain Significance.

NM_021008.4(DEAF1):c.1470G>C (p.Gln490His)

Genes: DEAF1 (DEAF1 transcription factor; minus strand), LOC126861109 (BRD4-independent group 4 enhancer GRCh37_chr11:673917-675116; plus strand). Cytogenetic location: 11p15.5.
Variant type: single nucleotide variant.
Coding change: c.1470G>C on transcript NM_021008.4 (MANE Select); coding-DNA position 1470, G replaced by C.
Protein change: p.Gln490His; replaces glutamine 490 with histidine.
Molecular consequence: missense variant.
Genome position (GRCh38, 1-based): chr11:674,569, C>G on the plus strand (G>C on the coding strand, the complement: DEAF1 is on the minus strand). VCF-style: chr11-674569-C-G. GRCh37 (hg19) VCF-style: chr11-674569-C-G.
Other names: c.1203G>C, p.Gln401His (NM_001293634.2); c.744G>C, p.Gln248His (NM_001367390.1); c.1470G>C (NM_021008.2); short protein forms Q401H, Q248H, Q490H.
Identifiers: ClinVar variation 1481484 (VCV001481484.7), dbSNP rs897598221, ClinGen allele CA216901014.